The following is an entry in ClinVar:

ClinVar aggregate classification (germline): Uncertain significance (1 of 4 stars; one submission).

Conditions:
Cohen syndrome (COH1). Also called: Cutis verticis gyrata, retinitis pigmentosa, and sensorineural deafness; PEPPER SYNDROME. Identifiers: Orphanet 193, MedGen C0265223, MONDO:0008999, OMIM 216550.

Allele frequency attached by ClinVar (database versions not stated): gnomAD 0.00001; TOPMed 0.00001.
gnomAD v4.1: 15 of 1,613,650 alleles (0.00093%); highest among the groups gnomAD compares: Admixed American, 0.0017%; no homozygotes.

Submission:

Labcorp Genetics (formerly Invitae), Labcorp
Classification: Uncertain significance for Cohen syndrome. Last evaluated: 2022-05-18. Review status: criteria provided, single submitter. Criteria: Invitae Variant Classification Sherloc (09022015). Collection method: clinical testing. Allele origin: germline.
Comment: This sequence change replaces arginine, which is basic and polar, with tryptophan, which is neutral and slightly polar, at codon 1678 of the VPS13B protein (p.Arg1678Trp). This variant is present in population databases (no rsID available, gnomAD 0.003%). This variant has not been reported in the literature in individuals affected with VPS13B-related conditions. Algorithms developed to predict the effect of missense changes on protein structure and function are either unavailable or do not agree on the potential impact of this missense change (SIFT: "Not Available"; PolyPhen-2: "Probably Damaging"; Align-GVGD: "Not Available"). In summary, the available evidence is currently insufficient to determine the role of this variant in disease. Therefore, it has been classified as a Variant of Uncertain Significance.

NM_152564.5(VPS13B):c.4957C>T (p.Arg1653Trp)

Gene: VPS13B (vacuolar protein sorting 13 homolog B; plus strand). Cytogenetic location: 8q22.2.
Variant type: single nucleotide variant.
Coding change: c.4957C>T on transcript NM_152564.5 (MANE Select); coding-DNA position 4957, C replaced by T.
Protein change: p.Arg1653Trp; replaces arginine 1653 with tryptophan.
Molecular consequence: missense variant.
Genome position (GRCh38, 1-based): chr8:99,575,665, C>T. VCF-style: chr8-99575665-C-T. GRCh37 (hg19) VCF-style: chr8-100587893-C-T.
Other names: c.5032C>T, p.Arg1678Trp (NM_017890.5); short protein forms R1678W, R1653W.
Identifiers: ClinVar variation 2199341 (VCV002199341.1), dbSNP rs766323056, ClinGen allele CA371873454.